The following is an entry in ClinVar:

ClinVar aggregate classification (germline): Uncertain significance (0 of 4 stars; one submission).

Conditions:
ANKRD17-related disorder. Also called: ANKRD17-related condition.

Submission:

PreventionGenetics, part of Exact Sciences
Classification: Uncertain significance for ANKRD17-related condition. Last evaluated: 2024-04-17. Review status: no assertion criteria provided. Collection method: clinical testing. Allele origin: germline.
Comment: The ANKRD17 c.7207G>A variant is predicted to result in the amino acid substitution p.Ala2403Thr. To our knowledge, this variant has not been reported in the literature or in a large population database, indicating this variant is rare. At this time, the clinical significance of this variant is uncertain due to the absence of conclusive functional and genetic evidence.

NM_032217.5(ANKRD17):c.7207G>A (p.Ala2403Thr)

Gene: ANKRD17 (ankyrin repeat domain 17; minus strand). Cytogenetic location: 4q13.3.
Variant type: single nucleotide variant.
Coding change: c.7207G>A on transcript NM_032217.5 (MANE Select); coding-DNA position 7207, G replaced by A.
Protein change: p.Ala2403Thr; replaces alanine 2403 with threonine.
Molecular consequence: missense variant.
Genome position (GRCh38, 1-based): chr4:73,078,843, C>T on the plus strand (G>A on the coding strand, the complement: ANKRD17 is on the minus strand). VCF-style: chr4-73078843-C-T. GRCh37 (hg19) VCF-style: chr4-73944560-C-T.
Other names: c.6868G>A, p.Ala2290Thr (NM_001286771.3); c.7204G>A, p.Ala2402Thr (NM_015574.2); c.6454G>A, p.Ala2152Thr (NM_198889.3); short protein forms A2152T, A2290T, A2402T, A2403T.
Identifiers: ClinVar variation 3348317 (VCV003348317.1).